The following is an entry in ClinVar:

NM_005654.6(NR2F1):c.53del (p.Gly18fs)

Genes: NR2F1-AS1 (NR2F1 regulatory antisense RNA 1; minus strand), NR2F1 (nuclear receptor subfamily 2 group F member 1; plus strand). Cytogenetic location: 5q15.
Variant type: Deletion.
Coding change: c.53del on transcript NM_005654.6 (MANE Select); coding-DNA position 53, one base deleted (G; older notation c.53delG).
Protein change: p.Gly18fs; shifts the reading frame from glycine 18.
Molecular consequence: frameshift variant.
Genome position (GRCh38, 1-based): chr5:93,585,076, G deleted; the last of 5 consecutive G bases (chr5:93,585,072-93,585,076); deleting any one gives the same sequence. VCF-style (leftmost placement, unchanged base first): chr5-93585071-CG-C. GRCh37 (hg19) VCF-style: chr5-92920777-CG-C.
Other names: short protein forms G18fs.
Identifiers: ClinVar variation 3254586 (VCV003254586.1), dbSNP rs2480800376.

ClinVar aggregate classification (germline): Pathogenic (1 of 4 stars; one submission).

Conditions:
Bosch-Boonstra-Schaaf optic atrophy syndrome (BBSOAS). Also called: NR2F1-Related Neurodevelopmental Disorder. Identifiers: Orphanet 401777, MedGen C3810363, MONDO:0014320, OMIM 615722.

Submission:

Victorian Clinical Genetics Services, Murdoch Childrens Research Institute
Classification: Pathogenic for Bosch-Boonstra-Schaaf optic atrophy syndrome. Last evaluated: 2023-07-17. Review status: criteria provided, single submitter. Criteria: ACMG Guidelines, 2015. Collection method: clinical testing. Allele origin: germline. Inheritance: Autosomal dominant inheritance.
Comment: Based on the classification scheme VCGS_Germline_v1.3.3, this variant is classified as Pathogenic. Following criteria are met: 0102 - Loss of function is a known mechanism of disease in this gene and is associated with Bosch-Boonstra-Schaaf optic atrophy syndrome (MIM#615722). Dominant negative has also been proposed as a likely mechanism for some missense variants found in the DNA-binding domain (PMID: 26986877). (I) 0107 - This gene is associated with autosomal dominant disease. (I) 0201 - Variant is predicted to cause nonsense-mediated decay (NMD) and loss of protein (premature termination codon is located at least 54 nucleotides upstream of the final exon-exon junction). (SP) 0251 - This variant is heterozygous. (I) 0301 - Variant is absent from gnomAD (both v2 and v3). (SP) 0701 - Other NMD predicted variants comparable to the one identified in this case have very strong previous evidence for pathogenicity (ClinVar, PMID: 32275123). (SP) 0807 - This variant has no previous evidence of pathogenicity. (I) 0905 - No published segregation evidence has been identified for this variant. (I) 1007 - No published functional evidence has been identified for this variant. (I) 1102 - Strong phenotype match for this individual. (SP) 1208 - Inheritance information for this variant is not currently available in this individual. (I) Legend: (SP) - Supporting pathogenic, (I) - Information, (SB) - Supporting benign

Literature cited by the submitters: PubMed 26986877; PubMed 32275123.